The following is an entry in ClinVar:

NM_001135651.3(EIF2AK2):c.645A>G (p.Ile215Met)

Gene: EIF2AK2 (eukaryotic translation initiation factor 2 alpha kinase 2; minus strand). Cytogenetic location: 2p22.2.
Variant type: single nucleotide variant.
Coding change: c.645A>G on transcript NM_001135651.3 (MANE Select); coding-DNA position 645, A replaced by G.
Protein change: p.Ile215Met; replaces isoleucine 215 with methionine.
Molecular consequence: missense variant.
Genome position (GRCh38, 1-based): chr2:37,138,312, T>C on the plus strand (A>G on the coding strand, the complement: EIF2AK2 is on the minus strand). VCF-style: chr2-37138312-T-C. GRCh37 (hg19) VCF-style: chr2-37365455-T-C.
Other names: c.645A>G, p.Ile215Met (NM_001135652.3, NM_002759.4); short protein forms I215M.
Identifiers: ClinVar variation 3016577 (VCV003016577.4), dbSNP rs1675200099, ClinGen allele CA346316596.

ClinVar aggregate classification (germline): Uncertain significance. Review status: criteria provided, multiple submitters, no conflicts (2 of 4 stars). 2 submissions from 2 submitters: Uncertain significance (2). Last evaluated 2024-06-24.

Conditions:
Inborn genetic diseases. Identifiers: MedGen C0950123, MeSH D030342.

Submissions (2):

Labcorp Genetics (formerly Invitae), Labcorp
Classification: Uncertain significance. Last evaluated: 2024-06-24. Review status: criteria provided, single submitter. Criteria: Invitae Variant Classification Sherloc (09022015). Collection method: clinical testing. Allele origin: germline.
Comment: This sequence change replaces isoleucine, which is neutral and non-polar, with methionine, which is neutral and non-polar, at codon 215 of the EIF2AK2 protein (p.Ile215Met). This variant is not present in population databases (gnomAD no frequency). This variant has not been reported in the literature in individuals affected with EIF2AK2-related conditions. An algorithm developed to predict the effect of missense changes on protein structure and function (PolyPhen-2) suggests that this variant is likely to be tolerated. In summary, the available evidence is currently insufficient to determine the role of this variant in disease. Therefore, it has been classified as a Variant of Uncertain Significance.

Ambry Genetics
Classification: Uncertain significance for Inborn genetic diseases. Last evaluated: 2024-01-12. Review status: criteria provided, single submitter. Criteria: Ambry Variant Classification Scheme 2023. Collection method: clinical testing. Allele origin: germline.